The following is an entry in ClinVar:

NM_006258.4(PRKG1):c.1052A>G (p.Tyr351Cys)

Gene: PRKG1 (protein kinase cGMP-dependent 1; plus strand). Cytogenetic location: 10q21.1.
Variant type: single nucleotide variant.
Coding change: c.1052A>G on transcript NM_006258.4 (MANE Select); coding-DNA position 1052, A replaced by G.
Protein change: p.Tyr351Cys; replaces tyrosine 351 with cysteine.
Molecular consequence: missense variant. On other transcripts: 5 prime UTR variant (1).
Genome position (GRCh38, 1-based): chr10:52,161,939, A>G. VCF-style: chr10-52161939-A-G. GRCh37 (hg19) VCF-style: chr10-53921699-A-G.
Other names: c.1007A>G, p.Tyr336Cys (NM_001098512.3); c.-158A>G (NM_001374781.1); short protein forms Y336C, Y351C.
Identifiers: ClinVar variation 4810147 (VCV004810147.1).

ClinVar aggregate classification (germline): Uncertain significance (1 of 4 stars; one submission).

Conditions:
Aortic aneurysm, familial thoracic 8 (AAT8). Identifiers: MedGen C3809513, MONDO:0014187, OMIM 615436.

Submission:

Labcorp Genetics (formerly Invitae), Labcorp
Classification: Uncertain significance for Aortic aneurysm, familial thoracic 8. Last evaluated: 2025-05-27. Review status: criteria provided, single submitter. Criteria: Invitae Variant Classification Sherloc (09022015). Collection method: clinical testing. Allele origin: germline.
Comment: This sequence change replaces tyrosine, which is neutral and polar, with cysteine, which is neutral and slightly polar, at codon 351 of the PRKG1 protein (p.Tyr351Cys). This variant is not present in population databases (gnomAD no frequency). This variant has not been reported in the literature in individuals affected with PRKG1-related conditions. An algorithm developed to predict the effect of missense changes on protein structure and function (PolyPhen-2) suggests that this variant is likely to be tolerated. In summary, the available evidence is currently insufficient to determine the role of this variant in disease. Therefore, it has been classified as a Variant of Uncertain Significance.